The following is an entry in ClinVar:

ClinVar aggregate classification (germline): Uncertain significance (1 of 4 stars; one submission).

Conditions:
Brugada syndrome 4 (BRGDA4). Identifiers: Orphanet 130, MedGen C2678477, MONDO:0012743, OMIM 611876.

Submission:

Labcorp Genetics (formerly Invitae), Labcorp
Classification: Uncertain significance for Brugada syndrome 4. Last evaluated: 2022-06-01. Review status: criteria provided, single submitter. Criteria: Invitae Variant Classification Sherloc (09022015). Collection method: clinical testing. Allele origin: germline.
Comment: This variant is not present in population databases (gnomAD no frequency). This sequence change creates a premature translational stop signal (p.Gln301*) in the CACNB2 gene. It is expected to result in an absent or disrupted protein product. However, the current clinical and genetic evidence is not sufficient to establish whether loss-of-function variants in CACNB2 cause disease. This variant has not been reported in the literature in individuals affected with CACNB2-related conditions. In summary, the available evidence is currently insufficient to determine the role of this variant in disease. Therefore, it has been classified as a Variant of Uncertain Significance.

NM_201596.3(CACNB2):c.1063C>T (p.Gln355Ter)

Gene: CACNB2 (calcium voltage-gated channel auxiliary subunit beta 2; plus strand). Cytogenetic location: 10p12.31.
Variant type: single nucleotide variant.
Coding change: c.1063C>T on transcript NM_201596.3 (MANE Select); coding-DNA position 1063, C replaced by T.
Protein change: p.Gln355Ter; replaces glutamine 355 with a stop codon.
Molecular consequence: nonsense.
Genome position (GRCh38, 1-based): chr10:18,534,084, C>T. VCF-style: chr10-18534084-C-T. GRCh37 (hg19) VCF-style: chr10-18823013-C-T.
Other names: c.898C>T, p.Gln300Ter (NM_000724.4); c.865C>T, p.Gln289Ter (NM_001167945.2); c.784C>T, p.Gln262Ter (NM_001330060.2); c.805C>T, p.Gln269Ter (NM_001410882.1); c.919C>T, p.Gln307Ter (NM_201570.3); c.979C>T, p.Gln327Ter (NM_201571.4); c.907C>T, p.Gln303Ter (NM_201572.4); c.901C>T, p.Gln301Ter (NM_201590.3); and 2 more; short protein forms Q301*, Q303*, Q317*, Q269*, Q331*, Q355*, Q300*, Q307*.
Identifiers: ClinVar variation 2107054 (VCV002107054.4), dbSNP rs1554840778, ClinGen allele CA376067592.